The following is an entry in ClinVar:

ClinVar aggregate classification (germline): Benign/Likely benign. Review status: criteria provided, multiple submitters, no conflicts (2 of 4 stars). 26 submissions from 19 submitters: Benign (17); Likely benign (4). 5 of the submissions do not count toward it. Last evaluated 2026-02-04.

Conditions:
Cardiovascular phenotype. Identifiers: MedGen CN230736.
TTN-related disorder. Also called: TTN-related condition; TTN-related disease; TTN-related disorders.
Autosomal recessive limb-girdle muscular dystrophy type 2J (LGMDR10). Also called: Limb-girdle muscular dystrophy, type 2J; MUSCULAR DYSTROPHY, LIMB-GIRDLE, AUTOSOMAL RECESSIVE 10. Identifiers: Orphanet 140922, MedGen C1837342, MONDO:0012127, OMIM 608807.
Dilated cardiomyopathy 1G (CMD1G). Identifiers: Orphanet 154, MedGen C1858763, MONDO:0011400, OMIM 604145.
Cardiomyopathy (CMYO). Also called: Cardiomyopathies. Identifiers: Orphanet 167848, MedGen C0878544, MONDO:0004994, HP:0001638. Inheritance: Various modes of inheritance.
Early-onset myopathy with fatal cardiomyopathy (CMYO5). Also called: Salih Myopathy; CONGENITAL MYOPATHY 5 WITH CARDIOMYOPATHY. Identifiers: Orphanet 289377, MedGen C2673677, MONDO:0012714, OMIM 611705. Disease mechanism: loss of function.
Myopathy, myofibrillar, 9, with early respiratory failure (MFM9). Also called: Hereditary myopathy with early respiratory failure; EDSTROM MYOPATHY; MYOPATHY, PROXIMAL, WITH EARLY RESPIRATORY MUSCLE INVOLVEMENT; Myopathy, distal, with early respiratory failure, autosomal dominant. Identifiers: Orphanet 178464, Orphanet 34521, MedGen C1863599, MONDO:0011362, OMIM 603689.
Tibial muscular dystrophy (TMD). Also called: UDD MYOPATHY; Udd Distal Myopathy – Tibial Muscular Dystrophy; Tibial muscular dystrophy, tardive. Identifiers: Orphanet 609, MedGen C1838244, MONDO:0010870, OMIM 600334.

Allele frequency attached by ClinVar (database versions not stated): gnomAD exomes 0.00048 and 0.00150; ExAC 0.00203; gnomAD 0.00555 and 0.00590; ESP Exome Variant Server 0.00606; TOPMed 0.00610; 1000 Genomes Project 0.00659; 1000 Genomes Project 30x 0.00781.
gnomAD v4.1: 1,587 of 1,612,892 alleles (0.098%); highest among the groups gnomAD compares: African/African-American, 1.9%; 17 homozygotes.

Submissions 1 to 17 of 26:

Labcorp Genetics (formerly Invitae), Labcorp
Classification: Benign for Dilated cardiomyopathy 1G; Autosomal recessive limb-girdle muscular dystrophy type 2J. Last evaluated: 2026-02-04. Review status: criteria provided, single submitter. Criteria: Invitae Variant Classification Sherloc (09022015). Collection method: clinical testing. Allele origin: germline.

ARUP Laboratories, Molecular Genetics and Genomics, ARUP Laboratories
Classification: Benign. Last evaluated: 2025-07-08. Review status: criteria provided, single submitter. Criteria: ARUP Molecular Germline Variant Investigation Process 2024. Collection method: clinical testing. Allele origin: germline.

Molecular Diagnostic Laboratory for Inherited Cardiovascular Disease, Montreal Heart Institute
Classification: Benign. Last evaluated: 2025-04-09. Review status: criteria provided, single submitter. Criteria: ACMG Guidelines, 2015. Collection method: clinical testing. Allele origin: germline. Affected: no.

Blueprint Genetics
Classification: Benign. Last evaluated: 2024-11-14. Review status: criteria provided, single submitter. Criteria: ACMG Guidelines, 2015. Collection method: clinical testing. Allele origin: germline.

Genome-Nilou Lab
Classification: Benign for Autosomal recessive limb-girdle muscular dystrophy type 2J. Last evaluated: 2021-09-10. Review status: criteria provided, single submitter. Criteria: ACMG Guidelines, 2015. Collection method: clinical testing. Allele origin: germline. Affected: no.

Genome-Nilou Lab
Classification: Benign for Myopathy, myofibrillar, 9, with early respiratory failure. Last evaluated: 2021-09-10. Review status: criteria provided, single submitter. Criteria: ACMG Guidelines, 2015. Collection method: clinical testing. Allele origin: germline. Affected: no.

Genome-Nilou Lab
Classification: Benign for Early-onset myopathy with fatal cardiomyopathy. Last evaluated: 2021-09-10. Review status: criteria provided, single submitter. Criteria: ACMG Guidelines, 2015. Collection method: clinical testing. Allele origin: germline. Affected: no.

Genome-Nilou Lab
Classification: Benign for Tibial muscular dystrophy. Last evaluated: 2021-09-10. Review status: criteria provided, single submitter. Criteria: ACMG Guidelines, 2015. Collection method: clinical testing. Allele origin: germline. Affected: no.

Women's Health and Genetics/Laboratory Corporation of America, LabCorp
Classification: Benign. Last evaluated: 2019-11-06. Review status: criteria provided, single submitter. Criteria: LabCorp Variant Classification Summary - May 2015. Collection method: clinical testing. Allele origin: germline.
Comment: Variant summary: TTN c.81154C>T alters a conserved nucleotide resulting in a synonymous change. 5/5 computational tools predict no significant impact on normal splicing. However, these predictions have yet to be confirmed by functional studies. The variant allele was found at a frequency of 0.0015 in 245752 control chromosomes, predominantly at a frequency of 0.022 within the African or African-American subpopulation in the gnomAD database, including 5 homozygotes. The observed variant frequency within African or African-American control individuals in the gnomAD database is approximately 35-folds over the estimated maximal expected allele frequency for a pathogenic variant in TTN causing Cardiomyopathy phenotype (0.00063), strongly suggesting that the variant is a benign polymorphism found primarily in populations of African or African-American origin. To our knowledge, no occurrence of c.81154C>T in individuals affected with Cardiomyopathy and no experimental evidence demonstrating its impact on protein function have been reported. A co-occurrence with another pathogenic variant has been reported (TTR c.424G>A, p.V142I). Four ClinVar submissions (evaluation after 2014) cite the variant three times as benign and once as uncertain significance. Based on the evidence outlined above, the variant was classified as benign.

Illumina Laboratory Services, Illumina
Classification: Benign for Tibial muscular dystrophy. Last evaluated: 2018-01-13. Review status: criteria provided, single submitter. Criteria: ICSL Variant Classification Criteria 13 December 2019. Collection method: clinical testing. Allele origin: germline.
Comment: This variant was observed in the ICSL laboratory as part of a predisposition screen in an ostensibly healthy population. It had not been previously curated by ICSL or reported in the Human Gene Mutation Database (HGMD: prior to June 1st, 2018), and was therefore a candidate for classification through an automated scoring system. Utilizing variant allele frequency, disease prevalence and penetrance estimates, and inheritance mode, an automated score was calculated to assess if this variant is too frequent to cause the disease. Based on the score and internal cut-off values, a variant classified as benign is not then subjected to further curation. The score for this variant resulted in a classification of benign for this disease.

Illumina Laboratory Services, Illumina
Classification: Benign for Myopathy, myofibrillar, 9, with early respiratory failure. Last evaluated: 2018-01-13. Review status: criteria provided, single submitter. Criteria: ICSL Variant Classification Criteria 13 December 2019. Collection method: clinical testing. Allele origin: germline.
Comment: the same text as in the submission from Illumina Laboratory Services, Illumina above.

Illumina Laboratory Services, Illumina
Classification: Likely benign for Early-onset myopathy with fatal cardiomyopathy. Last evaluated: 2018-01-13. Review status: criteria provided, single submitter. Criteria: ICSL Variant Classification Criteria 13 December 2019. Collection method: clinical testing. Allele origin: germline.
Comment: This variant was observed in the ICSL laboratory as part of a predisposition screen in an ostensibly healthy population. It had not been previously curated by ICSL or reported in the Human Gene Mutation Database (HGMD: prior to June 1st, 2018), and was therefore a candidate for classification through an automated scoring system. Utilizing variant allele frequency, disease prevalence and penetrance estimates, and inheritance mode, an automated score was calculated to assess if this variant is too frequent to cause the disease. Based on the score and internal cut-off values, a variant classified as likely benign is not then subjected to further curation. The score for this variant resulted in a classification of likely benign for this disease.

Illumina Laboratory Services, Illumina
Classification: Likely benign for Autosomal recessive limb-girdle muscular dystrophy type 2J. Last evaluated: 2018-01-13. Review status: criteria provided, single submitter. Criteria: ICSL Variant Classification Criteria 13 December 2019. Collection method: clinical testing. Allele origin: germline.
Comment: the same text as in the submission from Illumina Laboratory Services, Illumina above.

Illumina Laboratory Services, Illumina
Classification: Likely benign for Dilated cardiomyopathy 1G. Last evaluated: 2018-01-13. Review status: criteria provided, single submitter. Criteria: ICSL Variant Classification Criteria 13 December 2019. Collection method: clinical testing. Allele origin: germline.
Comment: the same text as in the submission from Illumina Laboratory Services, Illumina above.

CHEO Genetics Diagnostic Laboratory, Children's Hospital of Eastern Ontario
Classification: Benign for Cardiomyopathy. Last evaluated: 2016-11-09. Review status: criteria provided, single submitter. Criteria: ACMG Guidelines, 2015. Collection method: clinical testing. Allele origin: germline. Study: Canadian Open Genetics Repository.

Mayo Clinic Laboratories, Mayo Clinic
Classification: Benign. Last evaluated: 2016-02-04. Review status: criteria provided, single submitter. Criteria: ACMG Guidelines, 2015. Collection method: clinical testing. Allele origin: germline. Observed: 10 variant alleles.

Genetic Services Laboratory, University of Chicago
Classification: Benign. Last evaluated: 2015-02-10. Review status: criteria provided, single submitter. Criteria: ACMG Guidelines, 2015. Collection method: clinical testing. Allele origin: germline.

NM_001267550.2(TTN):c.88858C>T (p.Leu29620=)

Genes: TTN (titin; minus strand), TTN-AS1 (TTN antisense RNA 1; plus strand). Cytogenetic location: 2q31.2.
Variant type: single nucleotide variant.
Coding change: c.88858C>T on transcript NM_001267550.2 (MANE Select); coding-DNA position 88858, C replaced by T.
Protein change: p.Leu29620=; no amino-acid change (leucine 29620 retained).
Molecular consequence: synonymous variant.
Genome position (GRCh38, 1-based): chr2:178,554,489, G>A on the plus strand (C>T on the coding strand, the complement: TTN is on the minus strand). VCF-style: chr2-178554489-G-A. GRCh37 (hg19) VCF-style: chr2-179419216-G-A.
Other names: p.L27052L:CTG>TTG; p.Leu27979=; c.61663C>T, p.Leu20555= (NM_003319.4); c.62239C>T, p.Leu20747= (NM_133437.4); c.83935C>T, p.Leu27979= (NM_001256850.1); c.81154C>T, p.Leu27052= (NM_133378.4); c.62038C>T, p.Leu20680= (NM_133432.3).
Identifiers: ClinVar variation 47484 (VCV000047484.50), dbSNP rs115070904, ClinGen allele CA284000.
Genomic context (GRCh38, chr2:178,554,489, plus strand): 5'-TTTTCTAATGAAATCATGTCTCACCAAATGCGTTCTTGGCTACAACGGAATCAGATTCCA[G>A]TGGCTCGCCAATTCCATATTTGTTCACGGCTCGGACCCGGAAGATGTATTCATTTCCTTT-3'
Protein context (NP_001254479.2, residues 29610-29630): AVNKYGIGEP[Leu29620=]ESDSVVAKNA